The following is an entry in ClinVar:

NM_006218.4(PIK3CA):c.2215A>G (p.Met739Val)

Gene: PIK3CA (phosphatidylinositol-4,5-bisphosphate 3-kinase catalytic subunit alpha; plus strand). Cytogenetic location: 3q26.32.
Variant type: single nucleotide variant.
Coding change: c.2215A>G on transcript NM_006218.4 (MANE Select); coding-DNA position 2215, A replaced by G.
Protein change: p.Met739Val; replaces methionine 739 with valine.
Molecular consequence: missense variant.
Genome position (GRCh38, 1-based): chr3:179,224,108, A>G. VCF-style: chr3-179224108-A-G. GRCh37 (hg19) VCF-style: chr3-178941896-A-G.
Other names: short protein forms M739V.
Identifiers: ClinVar variation 1787820 (VCV001787820.2), dbSNP rs1395991996, ClinGen allele CA355270344.

ClinVar aggregate classification (germline): Uncertain significance (1 of 4 stars; one submission).

Conditions:
Inborn genetic diseases. Identifiers: MedGen C0950123, MeSH D030342.

Allele frequency attached by ClinVar (database versions not stated): gnomAD exomes below 0.00001; TOPMed below 0.00001; gnomAD 0.00001.
gnomAD v4.1: 3 of 1,607,344 alleles (0.00019%); highest among the groups gnomAD compares: African/African-American, 0.0013%; no homozygotes.

Submission:

Ambry Genetics
Classification: Uncertain significance for Inborn genetic diseases. Last evaluated: 2021-12-29. Review status: criteria provided, single submitter. Criteria: Ambry Variant Classification Scheme 2023. Collection method: clinical testing. Allele origin: germline.
Comment: The p.M739V variant (also known as c.2215A>G), located in coding exon 14 of the PIK3CA gene, results from an A to G substitution at nucleotide position 2215. The methionine at codon 739 is replaced by valine, an amino acid with highly similar properties. This amino acid position is conserved. In addition, this alteration is predicted to be deleterious by in silico analysis. Since supporting evidence is limited at this time, the clinical significance of this alteration remains unclear.